The following is an entry in ClinVar:

ClinVar aggregate classification (germline): Uncertain significance (1 of 4 stars; one submission).

Conditions:
Granulomatous disease, chronic, autosomal recessive, cytochrome b-negative. Also called: GRANULOMATOUS DISEASE, CHRONIC, AUTOSOMAL RECESSIVE, 4; Chronic granulomatous disease, autosomal, due to deficiency of CYBA; CGD DUE TO DEFICIENCY OF THE ALPHA SUBUNIT OF CYTOCHROME b; CGD, AUTOSOMAL RECESSIVE CYTOCHROME b-NEGATIVE; CYBA DEFICIENCY. Identifiers: Orphanet 379, MedGen C1856255, MONDO:0009308, OMIM 233690.

gnomAD v4.1: 2 of 1,596,882 alleles (0.00013%); highest among the groups gnomAD compares: Non-Finnish European, 0.00017%; no homozygotes.

Submission:

Labcorp Genetics (formerly Invitae), Labcorp
Classification: Uncertain significance for Granulomatous disease, chronic, autosomal recessive, cytochrome b-negative. Last evaluated: 2024-02-06. Review status: criteria provided, single submitter. Criteria: Invitae Variant Classification Sherloc (09022015). Collection method: clinical testing. Allele origin: germline.
Comment: This sequence change replaces glutamine, which is neutral and polar, with proline, which is neutral and non-polar, at codon 3 of the CYBA protein (p.Gln3Pro). This variant is not present in population databases (gnomAD no frequency). This variant has not been reported in the literature in individuals affected with CYBA-related conditions. An algorithm developed to predict the effect of missense changes on protein structure and function (PolyPhen-2) suggests that this variant is likely to be disruptive. In summary, the available evidence is currently insufficient to determine the role of this variant in disease. Therefore, it has been classified as a Variant of Uncertain Significance.

NM_000101.4(CYBA):c.8A>C (p.Gln3Pro)

Gene: CYBA (cytochrome b-245 alpha chain; minus strand). Cytogenetic location: 16q24.2.
Variant type: single nucleotide variant.
Coding change: c.8A>C on transcript NM_000101.4 (MANE Select); coding-DNA position 8, A replaced by C.
Protein change: p.Gln3Pro; replaces glutamine 3 with proline.
Molecular consequence: missense variant.
Genome position (GRCh38, 1-based): chr16:88,651,006, T>G on the plus strand (A>C on the coding strand, the complement: CYBA is on the minus strand). VCF-style: chr16-88651006-T-G. GRCh37 (hg19) VCF-style: chr16-88717414-T-G.
Other names: short protein forms Q3P.
Identifiers: ClinVar variation 3711900 (VCV003711900.2).